The following is an entry in ClinVar:

NM_001792.5(CDH2):c.680G>A (p.Arg227His)

Gene: CDH2 (cadherin 2; minus strand). Cytogenetic location: 18q12.1.
Variant type: single nucleotide variant.
Coding change: c.680G>A on transcript NM_001792.5 (MANE Select); coding-DNA position 680, G replaced by A.
Protein change: p.Arg227His; replaces arginine 227 with histidine.
Molecular consequence: missense variant.
Genome position (GRCh38, 1-based): chr18:28,009,739, C>T on the plus strand (G>A on the coding strand, the complement: CDH2 is on the minus strand). VCF-style: chr18-28009739-C-T. GRCh37 (hg19) VCF-style: chr18-25589703-C-T.
Other names: c.587G>A, p.Arg196His (NM_001308176.2); short protein forms R227H, R196H.
Identifiers: ClinVar variation 1755569 (VCV001755569.8), dbSNP rs769462371, ClinGen allele CA8923635.

ClinVar aggregate classification (germline): Uncertain significance. Review status: criteria provided, multiple submitters, no conflicts (2 of 4 stars). 2 submissions from 2 submitters: Uncertain significance (2). Last evaluated 2024-04-19.

Conditions:
Inborn genetic diseases. Identifiers: MedGen C0950123, MeSH D030342.

Allele frequency attached by ClinVar (database versions not stated): gnomAD 0.00001; TOPMed 0.00001; ExAC 0.00002; gnomAD exomes 0.00002.
gnomAD v4.1: 33 of 1,613,650 alleles (0.002%); highest among the groups gnomAD compares: South Asian, 0.011%; no homozygotes.

Submissions (2):

Ambry Genetics
Classification: Uncertain significance for Inborn genetic diseases. Last evaluated: 2024-04-19. Review status: criteria provided, single submitter. Criteria: Ambry Variant Classification Scheme 2023. Collection method: clinical testing. Allele origin: germline.
Comment: The p.R227H variant (also known as c.680G>A), located in coding exon 5 of the CDH2 gene, results from a G to A substitution at nucleotide position 680. The arginine at codon 227 is replaced by histidine, an amino acid with highly similar properties. This amino acid position is conserved. In addition, this alteration is predicted to be deleterious by in silico analysis. Since supporting evidence is limited at this time, the clinical significance of this alteration remains unclear.

Labcorp Genetics (formerly Invitae), Labcorp
Classification: Uncertain significance. Last evaluated: 2024-02-04. Review status: criteria provided, single submitter. Criteria: Invitae Variant Classification Sherloc (09022015). Collection method: clinical testing. Allele origin: germline.
Comment: This sequence change replaces arginine, which is basic and polar, with histidine, which is basic and polar, at codon 227 of the CDH2 protein (p.Arg227His). This variant is present in population databases (rs769462371, gnomAD 0.02%). This variant has not been reported in the literature in individuals affected with CDH2-related conditions. ClinVar contains an entry for this variant (Variation ID: 1755569). An algorithm developed to predict the effect of missense changes on protein structure and function (PolyPhen-2) suggests that this variant is likely to be disruptive. In summary, the available evidence is currently insufficient to determine the role of this variant in disease. Therefore, it has been classified as a Variant of Uncertain Significance.